The following is an entry in ClinVar:

ClinVar aggregate classification (germline): Pathogenic/Likely pathogenic. Review status: criteria provided, multiple submitters, no conflicts (2 of 4 stars). 3 submissions from 3 submitters: Pathogenic (1); Likely pathogenic (2). Last evaluated 2025-11-17.

Conditions:
Breast and/or ovarian cancer. Identifiers: MedGen CN221562.
Fanconi anemia complementation group O. Also called: RAD51C-Related Fanconi Anemia. Identifiers: Orphanet 84, MedGen C3150653, MONDO:0013248, OMIM 613390.
Breast-ovarian cancer, familial, susceptibility to, 3. Also called: RAD51C-Related Breast/Ovarian Cancer. Identifiers: Orphanet 145, MedGen C3150659, MONDO:0013253, OMIM 613399.

Allele frequency attached by ClinVar (database versions not stated): gnomAD exomes below 0.00001.
gnomAD v4.1: 1 of 1,611,494 alleles (0.000062%); highest among the groups gnomAD compares: Non-Finnish European, 0.000085%; no homozygotes.

Submissions (3):

Labcorp Genetics (formerly Invitae), Labcorp
Classification: Pathogenic for Fanconi anemia complementation group O. Last evaluated: 2025-11-17. Review status: criteria provided, single submitter. Criteria: Invitae Variant Classification Sherloc (09022015). Collection method: clinical testing. Allele origin: germline.
Comment: This sequence change affects an acceptor splice site in intron 3 of the RAD51C gene. It is expected to disrupt RNA splicing. Variants that disrupt the donor or acceptor splice site typically lead to a loss of protein function (PMID: 16199547), and loss-of-function variants in RAD51C are known to be pathogenic (PMID: 20400964, 21990120, 24800917, 29278735). This variant is present in population databases (no rsID available, gnomAD 0.0009%). Disruption of this splice site has been observed in individual(s) with breast cancer (PMID: 26261251, 30949688). ClinVar contains an entry for this variant (Variation ID: 1098899). Studies have shown that disruption of this splice site alters mRNA splicing and is expected to lead to the loss of protein expression (PMID: 33333735). For these reasons, this variant has been classified as Pathogenic.

CHEO Genetics Diagnostic Laboratory, Children's Hospital of Eastern Ontario
Classification: Likely pathogenic for Breast and/or ovarian cancer. Last evaluated: 2023-04-06. Review status: criteria provided, single submitter. Criteria: ACMG Guidelines, 2015. Collection method: clinical testing. Allele origin: germline.

Hereditary Cancer Group, L’Institut d'Investigació Biomèdica de Bellvitge
Classification: Likely pathogenic for Breast-ovarian cancer, familial, susceptibility to, 3. Last evaluated: 2021-05-03. Review status: criteria provided, single submitter. Criteria: ACMG Guidelines, 2015. Collection method: curation. Allele origin: germline.

Literature cited by the submitters: PubMed 16199547 (cited by Labcorp Genetics (formerly Invitae), Labcorp); PubMed 20400964 (cited by Labcorp Genetics (formerly Invitae), Labcorp); PubMed 21990120 (cited by Labcorp Genetics (formerly Invitae), Labcorp); PubMed 24800917 (cited by Labcorp Genetics (formerly Invitae), Labcorp); PubMed 29278735 (cited by Labcorp Genetics (formerly Invitae), Labcorp); PubMed 26261251 (cited by Labcorp Genetics (formerly Invitae), Labcorp); PubMed 30949688 (cited by Labcorp Genetics (formerly Invitae), Labcorp and Hereditary Cancer Group, L’Institut d'Investigació Biomèdica de Bellvitge); PubMed 33333735 (cited by Labcorp Genetics (formerly Invitae), Labcorp).

NM_058216.3(RAD51C):c.572-1G>T

Gene: RAD51C (RAD51 paralog C; plus strand). Cytogenetic location: 17q22.
Variant type: single nucleotide variant.
Coding change: c.572-1G>T on transcript NM_058216.3 (MANE Select); the canonical splice acceptor site of the intron before coding-DNA position 572, G replaced by T.
Molecular consequence: splice acceptor variant.
Genome position (GRCh38, 1-based): chr17:58,703,195, G>T. VCF-style: chr17-58703195-G-T. GRCh37 (hg19) VCF-style: chr17-56780556-G-T.
Identifiers: ClinVar variation 1098899 (VCV001098899.3), dbSNP rs1413872299, ClinGen allele CA400348975.